The following is an entry in ClinVar:

ClinVar aggregate classification (germline): Pathogenic. Review status: criteria provided, multiple submitters, no conflicts (2 of 4 stars). 3 submissions from 3 submitters: Pathogenic (3). Last evaluated 2026-07-30.

Conditions:
Hereditary breast ovarian cancer syndrome. Also called: Hereditary breast and ovarian cancer; Hereditary breast and/or ovarian cancer syndrome; Breast and ovarian cancer; Hereditary breast and ovarian cancer syndrome; Hereditary breast and ovarian cancer syndrome (HBOC); BRCA1- and BRCA2-Associated Hereditary Breast and Ovarian Cancer. Identifiers: Orphanet 145, MedGen C0677776, MeSH D061325, MONDO:0003582. Disease mechanism: loss of function.
Hereditary cancer-predisposing syndrome. Also called: Tumor predisposition; Hereditary Cancer Syndrome; Hereditary neoplastic syndrome; Neoplastic Syndromes, Hereditary. Identifiers: Orphanet 140162, MedGen C0027672, MeSH D009386, MONDO:0015356.

Allele frequency attached by ClinVar (database versions not stated): gnomAD exomes below 0.00001.
gnomAD v4.1: 2 of 1,614,008 alleles (0.00012%); highest among the groups gnomAD compares: Non-Finnish European, 0.00017%; no homozygotes.

Submissions (3):

Ambry Genetics
Classification: Pathogenic for Hereditary cancer-predisposing syndrome. Last evaluated: 2026-07-30. Review status: criteria provided, single submitter. Criteria: Ambry Variant Classification Scheme 2023. Collection method: clinical testing. Allele origin: germline.
Comment: The p.E1577* pathogenic mutation (also known as c.4729G>T), located in coding exon 10 of the BRCA2 gene, results from a G to T substitution at nucleotide position 4729. This changes the amino acid from a glutamic acid to a stop codon within coding exon 10. This variant is considered to be rare based on population cohorts in the Genome Aggregation Database (gnomAD). This alteration is expected to result in loss of function by premature protein truncation or nonsense-mediated mRNA decay. As such, this alteration is interpreted as a disease-causing mutation.

Labcorp Genetics (formerly Invitae), Labcorp
Classification: Pathogenic for Hereditary breast ovarian cancer syndrome. Last evaluated: 2023-04-03. Review status: criteria provided, single submitter. Criteria: Invitae Variant Classification Sherloc (09022015). Collection method: clinical testing. Allele origin: germline.
Comment: This premature translational stop signal has been observed in individual(s) with triple-negative breast cancer (PMID: 25452441). This variant is not present in population databases (gnomAD no frequency). This sequence change creates a premature translational stop signal (p.Glu1577*) in the BRCA2 gene. It is expected to result in an absent or disrupted protein product. Loss-of-function variants in BRCA2 are known to be pathogenic (PMID: 20104584). ClinVar contains an entry for this variant (Variation ID: 2137478). For these reasons, this variant has been classified as Pathogenic.

Laboratory for Molecular Medicine, Mass General Brigham Personalized Medicine
Classification: Pathogenic for Hereditary breast ovarian cancer syndrome. Last evaluated: 2019-10-14. Review status: criteria provided, single submitter. Criteria: ACMG Guidelines, 2015. Collection method: clinical testing. Allele origin: germline.
Comment: The p.Glu1577X variant in BRCA2 has been reported in two individuals with breast cancer (Couch 2015, Copson 2018). It was absent from large population studies. This nonsense variant leads to a premature termination codon at position 1577, which is predicted to lead to a truncated or absent protein. Loss of function of the BRCA2 gene is an established disease mechanism in autosomal dominant hereditary breast and ovarian cancer syndrome (HBOC). In summary, this variant meets criteria to be classified as pathogenic for autosomal dominant HBOC. ACMG/AMP Criteria applied: PVS1, PM2, PS4_Supporting.

Literature cited by the submitters: PubMed 25452441 (cited by Labcorp Genetics (formerly Invitae), Labcorp and Laboratory for Molecular Medicine, Mass General Brigham Personalized Medicine); PubMed 20104584 (cited by Labcorp Genetics (formerly Invitae), Labcorp); PubMed 29337092 (cited by Laboratory for Molecular Medicine, Mass General Brigham Personalized Medicine).

NM_000059.4(BRCA2):c.4729G>T (p.Glu1577Ter)

Gene: BRCA2 (BRCA2 DNA repair associated; plus strand). Cytogenetic location: 13q13.1.
Variant type: single nucleotide variant.
Coding change: c.4729G>T on transcript NM_000059.4 (MANE Select); coding-DNA position 4729, G replaced by T.
Protein change: p.Glu1577Ter; replaces glutamic acid 1577 with a stop codon.
Molecular consequence: nonsense.
Genome position (GRCh38, 1-based): chr13:32,339,084, G>T. VCF-style: chr13-32339084-G-T. GRCh37 (hg19) VCF-style: chr13-32913221-G-T.
Other names: c.4729G>T (NM_000059.3); short protein forms E1577*.
Identifiers: ClinVar variation 2137478 (VCV002137478.6), dbSNP rs878853586, ClinGen allele CA387783005.
Genomic context (GRCh38, chr13:32,339,084, plus strand): 5'-ACCAGTTTTAGCCATCAATGGGCAAAGACCCTAAAGTACAGAGAGGCCTGTAAAGACCTT[G>T]AATTAGCATGTGAGACCATTGAGATCACAGCTGCCCCAAAGTGTAAAGAAATGCAGAATT-3'